The following is an entry in ClinVar:

NM_001048174.2(MUTYH):c.210del (p.Ser71fs)

Gene: MUTYH (mutY DNA glycosylase; minus strand). Cytogenetic location: 1p34.1.
Variant type: Deletion.
Coding change: c.210del on transcript NM_001048174.2 (MANE Select); coding-DNA position 210, one base deleted (G; older notation c.210delG).
Protein change: p.Ser71fs; shifts the reading frame from serine 71.
Molecular consequence: frameshift variant. On other transcripts: 5 prime UTR variant (4), non-coding transcript variant (2).
Genome position (GRCh38, 1-based): chr1:45,333,467, C deleted on the plus strand (G on the coding strand, the reverse complement: MUTYH is on the minus strand); the first of 3 consecutive C bases (chr1:45,333,467-45,333,469); deleting any one gives the same sequence. VCF-style (leftmost placement, unchanged base first): chr1-45333466-TC-T. GRCh37 (hg19) VCF-style: chr1-45799138-TC-T.
Other names: c.210del, p.Ser71fs (NM_001048171.2, NM_001048173.2, NM_001293195.2); c.213del, p.Ser72fs (NM_001048172.2); c.294del, p.Ser99fs (NM_001128425.2); c.255del, p.Ser86fs (NM_001293190.2); c.243del, p.Ser82fs (NM_001293191.2); c.-67del (NM_001293192.2, NM_001293196.2); c.-62del (NM_001350650.2, NM_001350651.2); c.285del, p.Ser96fs (NM_012222.3); and 1 more; short protein forms S71fs, S82fs, S86fs, S96fs, S72fs, S99fs.
Identifiers: ClinVar variation 631361 (VCV000631361.14), dbSNP rs1557486313, ClinGen allele CA913187555.

ClinVar aggregate classification (germline): Pathogenic. Review status: criteria provided, multiple submitters, no conflicts (2 of 4 stars). 3 submissions from 3 submitters: Pathogenic (3). Last evaluated 2023-06-05.

Conditions:
Familial adenomatous polyposis 2. Also called: COLORECTAL ADENOMATOUS POLYPOSIS, AUTOSOMAL RECESSIVE; ADENOMAS, MULTIPLE COLORECTAL, AUTOSOMAL RECESSIVE; MUTYH-associated polyposis; MUTYH-related attenuated familial adenomatous polyposis; MUTYH Polyposis; Adenomas, multiple colorectal. Identifiers: Orphanet 220460, Orphanet 247798, MedGen C3272841, MONDO:0012041, OMIM 608456.
Hereditary cancer-predisposing syndrome. Also called: Neoplastic Syndromes, Hereditary; Hereditary Cancer Syndrome; Tumor predisposition; Hereditary neoplastic syndrome. Identifiers: Orphanet 140162, MedGen C0027672, MeSH D009386, MONDO:0015356.

Submissions (3):

All of Us Research Program, National Institutes of Health
Classification: Pathogenic for Familial adenomatous polyposis 2. Last evaluated: 2023-06-05. Review status: criteria provided, single submitter. Criteria: ACMG Guidelines, 2015. Collection method: clinical testing. Allele origin: germline. Inheritance: Autosomal recessive inheritance. Observed: 1 variant allele, 1 heterozygote.
Comment: This variant deletes 1 nucleotide in exon 3 of the MUTYH gene, creating a frameshift and premature translation stop signal. This variant is expected to result in an absent or non-functional protein product. To our knowledge, this variant has not been reported in individuals affected with hereditary cancer in the literature. This variant has not been identified in the general population by the Genome Aggregation Database (gnomAD). Loss of MUTYH function is a known mechanism of disease. Based on the available evidence, this variant is classified as Pathogenic.

This study involves interpretation of variants in research participants for the purpose of population health screening. Participant phenotype was not available at the time of variant classification. Additional details can be found in publication PMID: 35346344, PMCID: PMC8962531

Labcorp Genetics (formerly Invitae), Labcorp
Classification: Pathogenic for Familial adenomatous polyposis 2. Last evaluated: 2020-11-15. Review status: criteria provided, single submitter. Criteria: Invitae Variant Classification Sherloc (09022015). Collection method: clinical testing. Allele origin: germline.
Comment: This sequence change creates a premature translational stop signal (p.Ser99Alafs*3) in the MUTYH gene. It is expected to result in an absent or disrupted protein product. This variant is not present in population databases (ExAC no frequency). This variant has been observed in individual(s) with polyposis and colorectal cancer (PMID: 12606733). This variant is also known as 252delG in the literature. ClinVar contains an entry for this variant (Variation ID: 631361). Loss-of-function variants in MUTYH are known to be pathogenic (PMID: 18534194, 20663686). For these reasons, this variant has been classified as Pathogenic.

Color Diagnostics, LLC DBA Color Health
Classification: Pathogenic for Hereditary cancer-predisposing syndrome. Last evaluated: 2020-04-15. Review status: criteria provided, single submitter. Criteria: ACMG Guidelines, 2015. Collection method: clinical testing. Allele origin: germline.
Comment: This variant deletes 1 nucleotide in exon 3 of the MUTYH gene, creating a frameshift and premature translation stop signal. This variant is expected to result in an absent or non-functional protein product. To our knowledge, this variant has not been reported in individuals affected with hereditary cancer in the literature. This variant has not been identified in the general population by the Genome Aggregation Database (gnomAD). Loss of MUTYH function is a known mechanism of disease. Based on the available evidence, this variant is classified as Pathogenic.

Literature cited by the submitters: PubMed 12606733 (cited by Labcorp Genetics (formerly Invitae), Labcorp); PubMed 18534194 (cited by Labcorp Genetics (formerly Invitae), Labcorp); PubMed 20663686 (cited by Labcorp Genetics (formerly Invitae), Labcorp).